The following is an entry in ClinVar:

ClinVar aggregate classification (germline): Likely benign. Review status: criteria provided, multiple submitters, no conflicts (2 of 4 stars). 2 submissions from 2 submitters: Likely benign (2). Last evaluated 2026-08-01.

gnomAD v4.1: 379 of 1,492,732 alleles (0.025%); highest among the groups gnomAD compares: African/African-American, 0.44%; 1 homozygote.

Submissions (2):

CeGaT Center for Human Genetics Tuebingen
Classification: Likely benign. Last evaluated: 2026-08-01. Review status: criteria provided, single submitter. Criteria: CeGaT Center For Human Genetics Tuebingen Variant Classification Criteria Version 2. Collection method: clinical testing. Allele origin: germline. Affected: yes. Observed: 1 variant allele.
Comment: DPP9: BP4, BP7

Ambry Genetics
Classification: Likely benign. Last evaluated: 2025-08-20. Review status: criteria provided, single submitter. Criteria: Ambry Variant Classification Scheme 2023. Collection method: clinical testing. Allele origin: germline.

NM_139159.5(DPP9):c.57C>T (p.Ser19=)

Genes: DPP9 (dipeptidyl peptidase 9; minus strand), LOC126862842 (CDK7 strongly-dependent group 2 enhancer GRCh37_chr19:4713085-4714284; plus strand). Cytogenetic location: 19p13.3.
Variant type: single nucleotide variant.
Coding change: c.57C>T on transcript NM_139159.5 (MANE Select); coding-DNA position 57, C replaced by T.
Protein change: p.Ser19=; no amino-acid change (serine 19 retained).
Molecular consequence: synonymous variant. On other transcripts: 5 prime UTR variant (7), non-coding transcript variant (11).
Genome position (GRCh38, 1-based): chr19:4,714,337, G>A on the plus strand (C>T on the coding strand, the complement: DPP9 is on the minus strand). VCF-style: chr19-4714337-G-A. GRCh37 (hg19) VCF-style: chr19-4714349-G-A.
Other names: c.57C>T, p.Ser19= (NM_001365987.2, NM_001384611.1, NM_001384612.1 and 19 more transcripts); c.-31C>T (NM_001384623.1, NM_001384624.1, NM_001384625.1 and 4 more transcripts).
Identifiers: ClinVar variation 4244543 (VCV004244543.2).